The following is an entry in ClinVar:

NM_000451.4(SHOX):c.486+5G>A

Genes: SHOX (SHOX homeobox; plus strand), LOC107652445 (meiotic recombination hotspot SHOX; plus strand). Cytogenetic location: Yp11.2.
Variant type: single nucleotide variant.
Coding change: c.486+5G>A on transcript NM_000451.4 (MANE Select); 5 bases into the intron after coding-DNA position 486, G replaced by A.
Molecular consequence: intron variant.
Genome position (GRCh38, 1-based): chrX:634,831, G>A. VCF-style: chrX-634831-G-A. GRCh37 (hg19) VCF-style: chrX-595566-G-A.
Other names: c.486+5G>A (NM_006883.2).
Identifiers: ClinVar variation 3063983 (VCV003063983.1), dbSNP rs940499133, ClinGen allele CA2579539582.

ClinVar aggregate classification (germline): Uncertain significance (1 of 4 stars; one submission).

Submission:

Women's Health and Genetics/Laboratory Corporation of America, LabCorp
Classification: Uncertain significance. Last evaluated: 2024-01-19. Review status: criteria provided, single submitter. Criteria: LabCorp Variant Classification Summary - May 2015. Collection method: clinical testing. Allele origin: germline.
Comment: Variant summary: SHOX c.486+5G>A alters a conserved nucleotide located close to a canonical splice site and therefore could affect mRNA splicing, leading to a significantly altered protein sequence. Several computational tools predict a significant impact on normal splicing: Four predict the variant weakens a 5' donor site. However, these predictions have yet to be confirmed by functional studies. The variant was absent in 159202 control chromosomes (gnomAD). The available data on variant occurrences in the general population are insufficient to allow any conclusion about variant significance. To our knowledge, no occurrence of c.486+5G>A in individuals affected with Leri-Weill Dyschondrosteosis and no experimental evidence demonstrating its impact on protein function have been reported. No submitters have cited clinical-significance assessments for this variant to ClinVar. Based on the evidence outlined above, the variant was classified as uncertain significance.